The following is an entry in ClinVar:

ClinVar aggregate classification (germline): Likely pathogenic (1 of 4 stars; one submission).

Conditions:
Intellectual developmental disorder with language impairment and early-onset DOPA-responsive dystonia-parkinsonism (IDLDP). Identifiers: Orphanet 660017, MedGen C5677001, MONDO:0859257, OMIM 619911.

Submission:

Institute of Human Genetics, University of Leipzig Medical Center
Classification: Likely pathogenic for Intellectual developmental disorder with language impairment and early-onset DOPA-responsive dystonia-parkinsonism. Last evaluated: 2023-12-13. Review status: criteria provided, single submitter. Criteria: ACMG Guidelines, 2015. Collection method: clinical testing. Allele origin: unknown. Inheritance: Autosomal dominant inheritance. Affected: yes.
Comment: Criteria applied: PM1,PM5,PM2_SUP,PP3

NM_006186.4(NR4A2):c.934C>T (p.Arg312Trp)

Gene: NR4A2 (nuclear receptor subfamily 4 group A member 2; minus strand). Cytogenetic location: 2q24.1.
Variant type: single nucleotide variant.
Coding change: c.934C>T on transcript NM_006186.4 (MANE Select); coding-DNA position 934, C replaced by T.
Protein change: p.Arg312Trp; replaces arginine 312 with tryptophan.
Molecular consequence: missense variant.
Genome position (GRCh38, 1-based): chr2:156,328,464, G>A on the plus strand (C>T on the coding strand, the complement: NR4A2 is on the minus strand). VCF-style: chr2-156328464-G-A. GRCh37 (hg19) VCF-style: chr2-157184976-G-A.
Other names: c.745C>T, p.Arg249Trp (NM_173173.3); short protein forms R249W, R312W.
Identifiers: ClinVar variation 2691885 (VCV002691885.2), dbSNP rs769178148, ClinGen allele CA348681335.